The following is an entry in ClinVar:

ClinVar aggregate classification (germline): Uncertain significance (1 of 4 stars; one submission).

Submission:

Labcorp Genetics (formerly Invitae), Labcorp
Classification: Uncertain significance. Last evaluated: 2023-02-24. Review status: criteria provided, single submitter. Criteria: Invitae Variant Classification Sherloc (09022015). Collection method: clinical testing. Allele origin: germline.
Comment: In summary, the available evidence is currently insufficient to determine the role of this variant in disease. Therefore, it has been classified as a Variant of Uncertain Significance. Advanced modeling of protein sequence and biophysical properties (such as structural, functional, and spatial information, amino acid conservation, physicochemical variation, residue mobility, and thermodynamic stability) performed at Invitae indicates that this missense variant is not expected to disrupt SEPT9 protein function. This variant has not been reported in the literature in individuals affected with SEPT9-related conditions. This variant is not present in population databases (gnomAD no frequency). This sequence change replaces alanine, which is neutral and non-polar, with aspartic acid, which is acidic and polar, at codon 227 of the SEPT9 protein (p.Ala227Asp).

NM_001113491.2(SEPTIN9):c.734C>A (p.Ala245Asp)

Gene: SEPTIN9 (septin 9; plus strand). Cytogenetic location: 17q25.3.
Variant type: single nucleotide variant.
Coding change: c.734C>A on transcript NM_001113491.2 (MANE Select); coding-DNA position 734, C replaced by A.
Protein change: p.Ala245Asp; replaces alanine 245 with aspartic acid.
Molecular consequence: missense variant. On other transcripts: 5 prime UTR variant (4).
Genome position (GRCh38, 1-based): chr17:77,482,156, C>A. VCF-style: chr17-77482156-C-A. GRCh37 (hg19) VCF-style: chr17-75478238-C-A.
Other names: c.-20C>A (NM_001113496.2, NM_001293697.2, NM_001293698.2 and 1 more transcripts); c.677C>A, p.Ala226Asp (NM_001293695.2); c.680C>A, p.Ala227Asp (NM_006640.5); c.62C>A, p.Ala21Asp (NM_001293696.2); c.242C>A, p.Ala81Asp (NM_001113492.2, NM_001113494.1); c.713C>A, p.Ala238Asp (NM_001113493.2); short protein forms A227D, A226D, A21D, A238D, A245D, A81D.
Identifiers: ClinVar variation 2997766 (VCV002997766.3), dbSNP rs2510083942, ClinGen allele CA401207689.